The following is an entry in ClinVar:

ClinVar aggregate classification (germline): Conflicting classifications of pathogenicity. Review status: criteria provided, conflicting classifications (1 of 4 stars). 3 submissions from 3 submitters: Likely pathogenic (1); Uncertain significance (2). Last evaluated 2022-06-28.

Conditions:
Autosomal dominant nonsyndromic hearing loss 15 (DFNA15). Also called: Autosomal dominant nonsyndromic hearing loss 52; DEAFNESS, AUTOSOMAL DOMINANT 52. Identifiers: Orphanet 90635, MedGen C1865366, MONDO:0011226, OMIM 602459.

Submissions (3):

Labcorp Genetics (formerly Invitae), Labcorp
Classification: Uncertain significance. Last evaluated: 2022-06-28. Review status: criteria provided, single submitter. Criteria: Invitae Variant Classification Sherloc (09022015). Collection method: clinical testing. Allele origin: germline.
Comment: In summary, the available evidence is currently insufficient to determine the role of this variant in disease. Therefore, it has been classified as a Variant of Uncertain Significance. Experimental studies have shown that this missense change affects POU4F3 function (PMID: 32390314). This sequence change replaces arginine, which is basic and polar, with histidine, which is basic and polar, at codon 198 of the POU4F3 protein (p.Arg198His). This variant is not present in population databases (gnomAD no frequency). This missense change has been observed in individual(s) with autosomal dominant deafness (PMID: 32390314, 33724713). It has also been observed to segregate with disease in related individuals. ClinVar contains an entry for this variant (Variation ID: 546189). Algorithms developed to predict the effect of missense changes on protein structure and function (SIFT, PolyPhen-2, Align-GVGD) all suggest that this variant is likely to be disruptive.

GeneDx
Classification: Uncertain significance. Last evaluated: 2021-07-08. Review status: criteria provided, single submitter. Criteria: GeneDx Variant Classification Process June 2021. Collection method: clinical testing. Allele origin: germline. Affected: yes.
Comment: Not observed at significant frequency in large population cohorts (Lek et al., 2016); In silico analysis supports that this missense variant has a deleterious effect on protein structure/function; Functional studies indicate the variant results in mislocalization and reduced protein expression, however, transcriptional activity of the resulting protein was not evaluated (Bai et al., 2020); This variant is associated with the following publications: (PMID: 32390314, 33724713, 27535533)

Clinical Genetics Service, Universitary Hospital 12 de Octubre
Classification: Likely pathogenic for Autosomal dominant nonsyndromic hearing loss 15. Review status: criteria provided, single submitter. Criteria: ACMG Guidelines, 2015. Collection method: clinical testing. Allele origin: paternal. Affected: yes.

Literature cited by the submitters: PubMed 32390314 (cited by Labcorp Genetics (formerly Invitae), Labcorp); PubMed 33724713 (cited by Labcorp Genetics (formerly Invitae), Labcorp).

NM_002700.3(POU4F3):c.593G>A (p.Arg198His)

Genes: POU4F3 (POU class 4 homeobox 3; plus strand), RBM27-POU4F3 (RBM27-POU4F3 readthrough; plus strand). Cytogenetic location: 5q32.
Variant type: single nucleotide variant.
Coding change: c.593G>A on transcript NM_002700.3 (MANE Select); coding-DNA position 593, G replaced by A.
Protein change: p.Arg198His; replaces arginine 198 with histidine.
Molecular consequence: missense variant.
Genome position (GRCh38, 1-based): chr5:146,340,020, G>A. VCF-style: chr5-146340020-G-A. GRCh37 (hg19) VCF-style: chr5-145719583-G-A.
Other names: short protein forms R198H.
Identifiers: ClinVar variation 546189 (VCV000546189.9), dbSNP rs1554087643, ClinGen allele CA361621345.
Genomic context (GRCh38, chr5:146,340,020, plus strand): 5'-GCGACGTGGAGTCAGACCCGCGCGAGCTGGAAGCCTTCGCCGAGCGCTTCAAGCAGCGGC[G>A]CATCAAGCTGGGGGTGACCCAGGCGGACGTGGGCGCGGCTCTGGCTAATCTCAAGATCCC-3'
Protein context (NP_002691.1, residues 188-208): EAFAERFKQR[Arg198His]IKLGVTQADV